The following is an entry in ClinVar:

NM_005612.5(REST):c.2029G>C (p.Gly677Arg)

Gene: REST (RE1 silencing transcription factor; plus strand). Cytogenetic location: 4q12.
Variant type: single nucleotide variant.
Coding change: c.2029G>C on transcript NM_005612.5 (MANE Select); coding-DNA position 2029, G replaced by C.
Protein change: p.Gly677Arg; replaces glycine 677 with arginine.
Molecular consequence: missense variant.
Genome position (GRCh38, 1-based): chr4:56,930,887, G>C. VCF-style: chr4-56930887-G-C. GRCh37 (hg19) VCF-style: chr4-57797053-G-C.
Other names: c.2029G>C, p.Gly677Arg (NM_001193508.2, NM_001363453.3); short protein forms G677R.
Identifiers: ClinVar variation 2954872 (VCV002954872.3), dbSNP rs961944647, ClinGen allele CA97636786.
Genomic context (GRCh38, chr4:56,930,887, plus strand): 5'-GTTCAGGAGGGGCCTGCTCAGAAGGAGCTGCTGCCTCCCGTGGAGCCTGCTCAGATGGTG[G>C]GTGCCCAAATTGTACTTGCTCACATGGAGCTGCCTCCTCCCATGGAGACTGCTCAGACGG-3'
Protein context (NP_005603.3, residues 667-687): LPPVEPAQMV[Gly677Arg]AQIVLAHMEL

ClinVar aggregate classification (germline): Uncertain significance (1 of 4 stars; one submission).

Allele frequency attached by ClinVar (database versions not stated): TOPMed 0.00001; gnomAD 0.00001.
gnomAD v4.1: 1 of 1,613,766 alleles (0.000062%); highest among the groups gnomAD compares: Non-Finnish European, 0.000085%; no homozygotes.

Submission:

Labcorp Genetics (formerly Invitae), Labcorp
Classification: Uncertain significance. Last evaluated: 2024-04-05. Review status: criteria provided, single submitter. Criteria: Invitae Variant Classification Sherloc (09022015). Collection method: clinical testing. Allele origin: germline.
Comment: This sequence change replaces glycine, which is neutral and non-polar, with arginine, which is basic and polar, at codon 677 of the REST protein (p.Gly677Arg). This variant is not present in population databases (gnomAD no frequency). This variant has not been reported in the literature in individuals affected with REST-related conditions. An algorithm developed to predict the effect of missense changes on protein structure and function (PolyPhen-2) suggests that this variant is likely to be tolerated. In summary, the available evidence is currently insufficient to determine the role of this variant in disease. Therefore, it has been classified as a Variant of Uncertain Significance.